The following is an entry in ClinVar:

NM_181712.5(KANK4):c.1240G>A (p.Val414Met)

Gene: KANK4 (KN motif and ankyrin repeat domains 4; minus strand). Cytogenetic location: 1p31.3.
Variant type: single nucleotide variant.
Coding change: c.1240G>A on transcript NM_181712.5 (MANE Select); coding-DNA position 1240, G replaced by A.
Protein change: p.Val414Met; replaces valine 414 with methionine.
Molecular consequence: missense variant. On other transcripts: intron variant (1).
Genome position (GRCh38, 1-based): chr1:62,273,864, C>T on the plus strand (G>A on the coding strand, the complement: KANK4 is on the minus strand). VCF-style: chr1-62273864-C-T. GRCh37 (hg19) VCF-style: chr1-62739536-C-T.
Other names: c.17-2275G>A (NM_001320269.2); c.1240G>A (NM_181712.4); short protein forms V414M.
Identifiers: ClinVar variation 1899670 (VCV001899670.6), dbSNP rs758576982, ClinGen allele CA884414.

ClinVar aggregate classification (germline): Uncertain significance. Review status: criteria provided, multiple submitters, no conflicts (2 of 4 stars). 2 submissions from 2 submitters: Uncertain significance (2). Last evaluated 2024-05-26.

Allele frequency attached by ClinVar (database versions not stated): gnomAD exomes 0.00001; gnomAD 0.00002; TOPMed 0.00002; ExAC 0.00005.

Submissions (2):

Ambry Genetics
Classification: Uncertain significance. Last evaluated: 2024-05-26. Review status: criteria provided, single submitter. Criteria: Ambry Variant Classification Scheme 2023. Collection method: clinical testing. Allele origin: germline.

Labcorp Genetics (formerly Invitae), Labcorp
Classification: Uncertain significance. Last evaluated: 2023-11-27. Review status: criteria provided, single submitter. Criteria: Invitae Variant Classification Sherloc (09022015). Collection method: clinical testing. Allele origin: germline.
Comment: This sequence change replaces valine, which is neutral and non-polar, with methionine, which is neutral and non-polar, at codon 414 of the KANK4 protein (p.Val414Met). This variant is present in population databases (rs758576982, gnomAD 0.09%), and has an allele count higher than expected for a pathogenic variant. This variant has not been reported in the literature in individuals affected with KANK4-related conditions. ClinVar contains an entry for this variant (Variation ID: 1899670). An algorithm developed to predict the effect of missense changes on protein structure and function (PolyPhen-2) suggests that this variant is likely to be tolerated. In summary, the available evidence is currently insufficient to determine the role of this variant in disease. Therefore, it has been classified as a Variant of Uncertain Significance.